The following is an entry in ClinVar:

ClinVar aggregate classification (germline): Uncertain significance. Review status: criteria provided, multiple submitters, no conflicts (2 of 4 stars). 2 submissions from 2 submitters: Uncertain significance (2). Last evaluated 2025-08-10.

Allele frequency attached by ClinVar (database versions not stated): gnomAD 0.00001; gnomAD exomes 0.00002 and 0.00005; ExAC 0.00003; TOPMed 0.00004.
gnomAD v4.1: 14 of 1,612,068 alleles (0.00087%); highest among the groups gnomAD compares: Admixed American, 0.023%; no homozygotes.

Submissions (2):

Ambry Genetics
Classification: Uncertain significance. Last evaluated: 2025-08-10. Review status: criteria provided, single submitter. Criteria: Ambry Variant Classification Scheme 2023. Collection method: clinical testing. Allele origin: germline.

Labcorp Genetics (formerly Invitae), Labcorp
Classification: Uncertain significance. Last evaluated: 2022-08-23. Review status: criteria provided, single submitter. Criteria: Invitae Variant Classification Sherloc (09022015). Collection method: clinical testing. Allele origin: germline.
Comment: This sequence change replaces lysine, which is basic and polar, with arginine, which is basic and polar, at codon 97 of the IMPAD1 protein (p.Lys97Arg). This variant is present in population databases (rs767354346, gnomAD 0.04%). This variant has not been reported in the literature in individuals affected with IMPAD1-related conditions. ClinVar contains an entry for this variant (Variation ID: 1681106). Algorithms developed to predict the effect of missense changes on protein structure and function (SIFT, PolyPhen-2, Align-GVGD) all suggest that this variant is likely to be tolerated. In summary, the available evidence is currently insufficient to determine the role of this variant in disease. Therefore, it has been classified as a Variant of Uncertain Significance.

NM_017813.5(BPNT2):c.290A>G (p.Lys97Arg)

Gene: BPNT2 (3'(2'), 5'-bisphosphate nucleotidase 2; minus strand). Cytogenetic location: 8q12.1.
Variant type: single nucleotide variant.
Coding change: c.290A>G on transcript NM_017813.5 (MANE Select); coding-DNA position 290, A replaced by G.
Protein change: p.Lys97Arg; replaces lysine 97 with arginine.
Molecular consequence: missense variant.
Genome position (GRCh38, 1-based): chr8:56,993,296, T>C on the plus strand (A>G on the coding strand, the complement: BPNT2 is on the minus strand). VCF-style: chr8-56993296-T-C. GRCh37 (hg19) VCF-style: chr8-57905855-T-C.
Other names: c.290A>G (NM_017813.3); short protein forms K97R.
Identifiers: ClinVar variation 1681106 (VCV001681106.7), dbSNP rs767354346, ClinGen allele CA4755961.
Genomic context (GRCh38, chr8:56,993,296, plus strand): 5'-ATCTTGCGGTTGGACAGCACGTCGCCGCTGGTCATCTTGTCCTCGGCTCCCTCGCGCGTC[T>C]TCCCCTTGGACTTCTCGTGGAGGACGTTGCTCTCGCGGACGCGCCTCACCTCGTCGCCGC-3'
Protein context (NP_060283.3, residues 87-107): SNVLHEKSKG[Lys97Arg]TREGAEDKMT